The following is an entry in ClinVar:

ClinVar aggregate classification (germline): Benign/Likely benign. Review status: criteria provided, multiple submitters, no conflicts (2 of 4 stars). 5 submissions from 5 submitters: Benign (3); Likely benign (1). 1 of the submissions does not count toward it. Last evaluated 2026-01-28.

Conditions:
KATNIP-related disorder. Also called: KATNIP-related condition.

Allele frequency attached by ClinVar (database versions not stated): 1000 Genomes Project 0.01378; 1000 Genomes Project 30x 0.01405; TOPMed 0.02541; ESP Exome Variant Server 0.02601; ExAC 0.02620; gnomAD 0.02660 and 0.02803; gnomAD exomes 0.02720.
gnomAD v4.1: 56,408 of 1,613,774 alleles (3.5%); highest among the groups gnomAD compares: Non-Finnish European, 4.1%; 1,152 homozygotes.

Submissions (5):

Labcorp Genetics (formerly Invitae), Labcorp
Classification: Benign. Last evaluated: 2026-01-28. Review status: criteria provided, single submitter. Criteria: Invitae Variant Classification Sherloc (09022015). Collection method: clinical testing. Allele origin: germline.

Blueprint Genetics
Classification: Likely benign. Last evaluated: 2024-11-27. Review status: criteria provided, single submitter. Criteria: ACMG Guidelines, 2015. Collection method: clinical testing. Allele origin: germline.

Mayo Clinic Laboratories, Mayo Clinic
Classification: Benign. Last evaluated: 2023-06-13. Review status: criteria provided, single submitter. Criteria: ACMG Guidelines, 2015. Collection method: clinical testing. Allele origin: germline. Observed: 6 variant alleles.
Comment: BS1, BS2, BP4

Breakthrough Genomics
Classification: Benign. Review status: criteria provided, single submitter. Criteria: ACMG Guidelines, 2015. Collection method: not provided. Allele origin: germline. Inheritance: Autosomal recessive inheritance. Affected: yes.

PreventionGenetics, part of Exact Sciences
Classification: Benign for KATNIP-related condition. Last evaluated: 2019-09-10. Review status: no assertion criteria provided. Collection method: clinical testing. Allele origin: germline. Not counted in ClinVar's aggregate classification.
Comment: This variant is classified as benign based on ACMG/AMP sequence variant interpretation guidelines (Richards et al. 2015 PMID: 25741868, with internal and published modifications).

NM_015202.5(KATNIP):c.3778G>A (p.Glu1260Lys)

Gene: KATNIP (katanin interacting protein; plus strand). Cytogenetic location: 16p12.1.
Variant type: single nucleotide variant.
Coding change: c.3778G>A on transcript NM_015202.5 (MANE Select); coding-DNA position 3778, G replaced by A.
Protein change: p.Glu1260Lys; replaces glutamic acid 1260 with lysine.
Molecular consequence: missense variant.
Genome position (GRCh38, 1-based): chr16:27,761,559, G>A. VCF-style: chr16-27761559-G-A. GRCh37 (hg19) VCF-style: chr16-27772880-G-A.
Other names: p.Glu1260Lys; c.3778G>A (NM_015202.3, NM_015202.4); short protein forms E1260K.
Identifiers: ClinVar variation 1682071 (VCV001682071.13), dbSNP rs61742593, ClinGen allele CA7978369.